The following is an entry in ClinVar:

NM_001278512.2(AP3B2):c.1488+5G>A

Genes: CPEB1-AS1 (CPEB1 antisense RNA 1; plus strand), AP3B2 (adaptor related protein complex 3 subunit beta 2; minus strand). Cytogenetic location: 15q25.2.
Variant type: single nucleotide variant.
Coding change: c.1488+5G>A on transcript NM_001278512.2 (MANE Select); 5 bases into the intron after coding-DNA position 1488, G replaced by A.
Molecular consequence: intron variant.
Genome position (GRCh38, 1-based): chr15:82,677,269, C>T on the plus strand (G>A on the coding strand, the complement: AP3B2 is on the minus strand). VCF-style: chr15-82677269-C-T. GRCh37 (hg19) VCF-style: chr15-83346021-C-T.
Other names: c.1392+5G>A (NM_001278511.2); c.1488+5G>A (NM_004644.5).
Identifiers: ClinVar variation 1521655 (VCV001521655.6), dbSNP rs1289163025, ClinGen allele CA716335237.

ClinVar aggregate classification (germline): Uncertain significance (1 of 4 stars; one submission).

gnomAD v4.1: 7 of 1,606,682 alleles (0.00044%); highest among the groups gnomAD compares: Non-Finnish European, 0.0006%; no homozygotes.

Submission:

Labcorp Genetics (formerly Invitae), Labcorp
Classification: Uncertain significance. Last evaluated: 2023-07-07. Review status: criteria provided, single submitter. Criteria: Invitae Variant Classification Sherloc (09022015). Collection method: clinical testing. Allele origin: germline.
Comment: In summary, the available evidence is currently insufficient to determine the role of this variant in disease. Therefore, it has been classified as a Variant of Uncertain Significance. Variants that disrupt the consensus splice site are a relatively common cause of aberrant splicing (PMID: 17576681, 9536098). Algorithms developed to predict the effect of sequence changes on RNA splicing suggest that this variant is not likely to affect RNA splicing. ClinVar contains an entry for this variant (Variation ID: 1521655). This variant has not been reported in the literature in individuals affected with AP3B2-related conditions. This variant is not present in population databases (gnomAD no frequency). This sequence change falls in intron 13 of the AP3B2 gene. It does not directly change the encoded amino acid sequence of the AP3B2 protein. It affects a nucleotide within the consensus splice site.

Literature cited by the submitters: PubMed 17576681; PubMed 9536098.